The following is an entry in ClinVar:

ClinVar aggregate classification (germline): Conflicting classifications of pathogenicity. Review status: criteria provided, conflicting classifications (1 of 4 stars). 3 submissions from 3 submitters: Uncertain significance (1); Benign (1); Likely benign (1). Last evaluated 2024-12-11.

Conditions:
Lung cancer. Also called: Lung cancer, somatic; Malignant tumor of lung. Identifiers: MedGen C0242379, MONDO:0008903, OMIM 211980.
Hereditary cancer-predisposing syndrome. Also called: Neoplastic Syndromes, Hereditary; Tumor predisposition; Hereditary Cancer Syndrome; Hereditary neoplastic syndrome. Identifiers: Orphanet 140162, MedGen C0027672, MeSH D009386, MONDO:0015356.
EGFR-related lung cancer (EGFR). Identifiers: MedGen CN130014.

Allele frequency attached by ClinVar (database versions not stated): gnomAD exomes 0.00001; ExAC 0.00002.
gnomAD v4.1: 8 of 1,613,686 alleles (0.0005%); highest among the groups gnomAD compares: Admixed American, 0.0033%; no homozygotes.

Submissions (3):

Ambry Genetics
Classification: Uncertain significance for Hereditary cancer-predisposing syndrome. Last evaluated: 2024-12-11. Review status: criteria provided, single submitter. Criteria: Ambry Variant Classification Scheme 2023. Collection method: clinical testing. Allele origin: germline.
Comment: The c.2619A>T variant (also known as p.G873G), located in coding exon 21 of the EGFR gene, results from an A to T substitution at nucleotide position 2619. This nucleotide substitution does not change the glycine at codon 873. This nucleotide position is not well conserved in available vertebrate species. In silico splice site analysis for this alteration is inconclusive. Based on the available evidence, the clinical significance of this variant remains unclear.

Myriad Genetics, Inc.
Classification: Benign for Lung cancer. Last evaluated: 2024-10-17. Review status: criteria provided, single submitter. Criteria: Myriad Autosomal Dominant, Autosomal Recessive and X-Linked Classification Criteria (2023). Collection method: clinical testing. Allele origin: unknown.
Comment: This variant is considered benign. This variant is a silent/synonymous amino acid change and it is not expected to impact splicing.

Labcorp Genetics (formerly Invitae), Labcorp
Classification: Likely benign for EGFR-related lung cancer. Last evaluated: 2024-05-15. Review status: criteria provided, single submitter. Criteria: Invitae Variant Classification Sherloc (09022015). Collection method: clinical testing. Allele origin: germline.

NM_005228.5(EGFR):c.2619A>T (p.Gly873=)

Gene: EGFR (epidermal growth factor receptor; plus strand). Cytogenetic location: 7p11.2.
Variant type: single nucleotide variant.
Coding change: c.2619A>T on transcript NM_005228.5 (MANE Select); coding-DNA position 2619, A replaced by T.
Protein change: p.Gly873=; no amino-acid change (glycine 873 retained).
Molecular consequence: synonymous variant.
Genome position (GRCh38, 1-based): chr7:55,191,868, A>T. VCF-style: chr7-55191868-A-T. GRCh37 (hg19) VCF-style: chr7-55259561-A-T.
Other names: c.2619A>T (NM_005228.3); c.2484A>T, p.Gly828= (NM_001346897.2, NM_001346899.2); c.2619A>T, p.Gly873= (NM_001346898.2); c.2460A>T, p.Gly820= (NM_001346900.2); c.1818A>T, p.Gly606= (NM_001346941.2).
Identifiers: ClinVar variation 1001782 (VCV001001782.8), dbSNP rs764700695, ClinGen allele CA4266117.